The following is an entry in ClinVar:

ClinVar aggregate classification (germline): Pathogenic (1 of 4 stars; one submission).

Conditions:
Autosomal recessive nonsyndromic hearing loss 77. Identifiers: Orphanet 90636, MedGen C2746083, MONDO:0013119, OMIM 613079.

gnomAD v4.1: 1 of 1,549,386 alleles (0.000065%); highest among the groups gnomAD compares: South Asian, 0.0012%; no homozygotes.

Submission:

Myriad Genetics, Inc.
Classification: Pathogenic for Autosomal recessive nonsyndromic hearing loss 77. Last evaluated: 2024-05-14. Review status: criteria provided, single submitter. Criteria: Myriad Autosomal Dominant, Autosomal Recessive and X-Linked Classification Criteria (2023). Collection method: clinical testing. Allele origin: unknown.
Comment: NM_144612.6(LOXHD1):c.5869G>T(E1957*) is expected to be pathogenic in the context of nonsyndromic hearing loss, LOXHD1-related. This variant is predicted to lead to an abnormal or absent protein product due to the creation of a premature termination codon in LOXHD1, a gene where loss-of-function variants are known to be pathogenic. Please note: this variant was assessed in the context of healthy population screening.

NM_001384474.1(LOXHD1):c.6055G>T (p.Glu2019Ter)

Gene: LOXHD1 (lipoxygenase homology PLAT domains 1; minus strand). Cytogenetic location: 18q21.1.
Variant type: single nucleotide variant.
Coding change: c.6055G>T on transcript NM_001384474.1 (MANE Select); coding-DNA position 6055, G replaced by T.
Protein change: p.Glu2019Ter; replaces glutamic acid 2019 with a stop codon.
Molecular consequence: nonsense.
Genome position (GRCh38, 1-based): chr18:46,485,146, C>A on the plus strand (G>T on the coding strand, the complement: LOXHD1 is on the minus strand). VCF-style: chr18-46485146-C-A. GRCh37 (hg19) VCF-style: chr18-44065109-C-A.
Other names: c.2722G>T, p.Glu908Ter (NM_001145472.3); c.772G>T, p.Glu258Ter (NM_001145473.3, NM_001173129.2); c.2434G>T, p.Glu812Ter (NM_001308013.2); c.5869G>T, p.Glu1957Ter (NM_144612.7); short protein forms E1957*, E2019*, E258*, E812*, E908*.
Identifiers: ClinVar variation 5012343 (VCV005012343.1).
Genomic context (GRCh38, chr18:46,485,146, plus strand): 5'-CCAGGATGAGCCAGACGTTCTCCCTGGTTTCGCCTCCGTTGCCCGTTTCTATGACGATCT[C>A]GTAGGCTGTAATGGAGGAGGTGGGGGAGGGTCAGCACAGGGGAAGCAGTGCCCGTCTTCA-3'